The following is an entry in ClinVar:

ClinVar aggregate classification (germline): Uncertain significance (1 of 4 stars; one submission).

Submission:

GeneDx
Classification: Uncertain significance. Last evaluated: 2025-04-08. Review status: criteria provided, single submitter. Criteria: GeneDx Variant Classification Process June 2021. Collection method: clinical testing. Allele origin: germline. Affected: yes.
Comment: Not observed at significant frequency in large population cohorts (gnomAD); In silico analysis supports that this missense variant has a deleterious effect on protein structure/function; Has not been previously published as pathogenic or benign to our knowledge

NM_005458.8(GABBR2):c.1793T>C (p.Leu598Pro)

Gene: GABBR2 (gamma-aminobutyric acid type B receptor subunit 2; minus strand). Cytogenetic location: 9q22.33.
Variant type: single nucleotide variant.
Coding change: c.1793T>C on transcript NM_005458.8 (MANE Select); coding-DNA position 1793, T replaced by C.
Protein change: p.Leu598Pro; replaces leucine 598 with proline.
Molecular consequence: missense variant.
Genome position (GRCh38, 1-based): chr9:98,362,815, A>G on the plus strand (T>C on the coding strand, the complement: GABBR2 is on the minus strand). VCF-style: chr9-98362815-A-G. GRCh37 (hg19) VCF-style: chr9-101125097-A-G.
Other names: short protein forms L598P.
Identifiers: ClinVar variation 4282016 (VCV004282016.1).